The following is an entry in ClinVar:

NM_014855.3(AP5Z1):c.602C>T (p.Ser201Phe)

Gene: AP5Z1 (adaptor related protein complex 5 subunit zeta 1; plus strand). Cytogenetic location: 7p22.1.
Variant type: single nucleotide variant.
Coding change: c.602C>T on transcript NM_014855.3 (MANE Select); coding-DNA position 602, C replaced by T.
Protein change: p.Ser201Phe; replaces serine 201 with phenylalanine.
Molecular consequence: missense variant. On other transcripts: non-coding transcript variant (1).
Genome position (GRCh38, 1-based): chr7:4,783,779, C>T. VCF-style: chr7-4783779-C-T. GRCh37 (hg19) VCF-style: chr7-4823410-C-T.
Other names: c.602C>T, p.Ser201Phe (LRG_1247t1); c.134C>T, p.Ser45Phe (NM_001364858.1); short protein forms S201F, S45F.
Identifiers: ClinVar variation 665688 (VCV000665688.7), dbSNP rs920304598, ClinGen allele CA153020439.
Genomic context (GRCh38, chr7:4,783,779, plus strand): 5'-TCGACTGGCTGCGCTACGCCAGCCTCCAGCAAGGGCTCCCACACTCCGGCGGCTTCTTCT[C>T]CACGCCCAGGGCCCGGCAGGTGAGGCTGGGACTGTTCTGGAACCATGGGGAACAGAGTCA-3'
Protein context (NP_055670.1, residues 191-211): QGLPHSGGFF[Ser201Phe]TPRARQPGPV

ClinVar aggregate classification (germline): Uncertain significance. Review status: criteria provided, multiple submitters, no conflicts (2 of 4 stars). 2 submissions from 2 submitters: Uncertain significance (2). Last evaluated 2025-08-11.

Conditions:
Hereditary spastic paraplegia 48. Also called: SPASTIC PARAPLEGIA 48, AUTOSOMAL RECESSIVE; Spastic paraplegia 48. Identifiers: Orphanet 306511, MedGen C3150901, MONDO:0013342, OMIM 613647.
Inborn genetic diseases. Identifiers: MedGen C0950123, MeSH D030342.

Allele frequency attached by ClinVar (database versions not stated): gnomAD exomes 0.00001 and 0.00003; gnomAD 0.00002 and 0.00003; TOPMed 0.00003.

Submissions (2):

Ambry Genetics
Classification: Uncertain significance for Inborn genetic diseases. Last evaluated: 2025-08-11. Review status: criteria provided, single submitter. Criteria: Ambry Variant Classification Scheme 2023. Collection method: clinical testing. Allele origin: germline.

Labcorp Genetics (formerly Invitae), Labcorp
Classification: Uncertain significance for Hereditary spastic paraplegia 48. Last evaluated: 2022-06-04. Review status: criteria provided, single submitter. Criteria: Invitae Variant Classification Sherloc (09022015). Collection method: clinical testing. Allele origin: germline.
Comment: ClinVar contains an entry for this variant (Variation ID: 665688). In summary, the available evidence is currently insufficient to determine the role of this variant in disease. Therefore, it has been classified as a Variant of Uncertain Significance. Algorithms developed to predict the effect of missense changes on protein structure and function (SIFT, PolyPhen-2, Align-GVGD) all suggest that this variant is likely to be disruptive. This variant has not been reported in the literature in individuals affected with AP5Z1-related conditions. The frequency data for this variant in the population databases is considered unreliable, as metrics indicate poor data quality at this position in the gnomAD database. This sequence change replaces serine, which is neutral and polar, with phenylalanine, which is neutral and non-polar, at codon 201 of the AP5Z1 protein (p.Ser201Phe).